The following is an entry in ClinVar:

NM_182961.4(SYNE1):c.12422A>C (p.Glu4141Ala)

Gene: SYNE1 (spectrin repeat containing nuclear envelope protein 1; minus strand). Cytogenetic location: 6q25.2.
Variant type: single nucleotide variant.
Coding change: c.12422A>C on transcript NM_182961.4 (MANE Select); coding-DNA position 12422, A replaced by C.
Protein change: p.Glu4141Ala; replaces glutamic acid 4141 with alanine.
Molecular consequence: missense variant.
Genome position (GRCh38, 1-based): chr6:152,336,947, T>G on the plus strand (A>C on the coding strand, the complement: SYNE1 is on the minus strand). VCF-style: chr6-152336947-T-G. GRCh37 (hg19) VCF-style: chr6-152658082-T-G.
Other names: c.12209A>C, p.Glu4070Ala (NM_033071.5); short protein forms E4070A, E4141A.
Identifiers: ClinVar variation 1491157 (VCV001491157.6), dbSNP rs1449281199, ClinGen allele CA366108549.

ClinVar aggregate classification (germline): Uncertain significance (1 of 4 stars; one submission).

Conditions:
Autosomal recessive ataxia, Beauce type. Also called: SYNE1-Related Autosomal Recessive Cerebellar Ataxia; Spinocerebellar ataxia, autosomal recessive 8; ATAXIA, RECESSIVE, OF BEAUCE; SYNE1 Deficiency. Identifiers: Orphanet 88644, MedGen C1853116, MONDO:0012549, OMIM 610743.
Emery-Dreifuss muscular dystrophy 4, autosomal dominant (EDMD4). Also called: EMERY-DREIFUSS MUSCULAR DYSTROPHY 4 WITH VARIABLE FEATURES. Identifiers: Orphanet 261, MedGen C2751807, MONDO:0013071, OMIM 612998.

Allele frequency attached by ClinVar (database versions not stated): gnomAD exomes below 0.00001 and 0.00001; TOPMed below 0.00001; gnomAD 0.00001.
gnomAD v4.1: 4 of 1,614,024 alleles (0.00025%); highest among the groups gnomAD compares: Admixed American, 0.0033%; no homozygotes.

Submission:

Labcorp Genetics (formerly Invitae), Labcorp
Classification: Uncertain significance for Emery-Dreifuss muscular dystrophy 4, autosomal dominant; Autosomal recessive ataxia, Beauce type. Last evaluated: 2024-10-17. Review status: criteria provided, single submitter. Criteria: Invitae Variant Classification Sherloc (09022015). Collection method: clinical testing. Allele origin: germline.
Comment: This sequence change replaces glutamic acid, which is acidic and polar, with alanine, which is neutral and non-polar, at codon 4070 of the SYNE1 protein (p.Glu4070Ala). This variant is present in population databases (no rsID available, gnomAD 0.006%). This variant has not been reported in the literature in individuals affected with SYNE1-related conditions. ClinVar contains an entry for this variant (Variation ID: 1491157). An algorithm developed to predict the effect of missense changes on protein structure and function (PolyPhen-2) suggests that this variant is likely to be disruptive. In summary, the available evidence is currently insufficient to determine the role of this variant in disease. Therefore, it has been classified as a Variant of Uncertain Significance.